The following is an entry in ClinVar:

ClinVar aggregate classification (germline): Uncertain significance. Review status: criteria provided, multiple submitters, no conflicts (2 of 4 stars). 11 submissions from 10 submitters: Uncertain significance (9). 2 of the submissions do not count toward it. Last evaluated 2026-05-27.

Conditions:
USH2A-related disorder. Also called: USH2A-related disorders; USH2A-related condition. Identifiers: MedGen CN239332.
Usher syndrome type 2A. Also called: RETINAL DISEASE IN USHER SYNDROME TYPE IIA, MODIFIER OF; USHER SYNDROME, TYPE IIA. Identifiers: Orphanet 231178, Orphanet 886, MedGen C1848634, MONDO:0010169, OMIM 276901.
Retinitis pigmentosa 39 (RP39). Identifiers: Orphanet 791, MedGen C3151138, MONDO:0013436, OMIM 613809.

Allele frequency attached by ClinVar (database versions not stated): ExAC 0.00001; gnomAD 0.00001 and 0.00002; gnomAD exomes 0.00001 and 0.00002; TOPMed 0.00003.
gnomAD v4.1: 17 of 1,613,802 alleles (0.0011%); highest among the groups gnomAD compares: Middle Eastern, 0.016%; no homozygotes.

Submissions (11):

PreventionGenetics, part of Exact Sciences
Classification: Uncertain significance for USH2A-related condition. Last evaluated: 2026-05-27. Review status: criteria provided, single submitter. Criteria: ACMG Guidelines, 2015. Collection method: clinical testing. Allele origin: germline.
Comment: The USH2A c.6800C>T variant is predicted to result in the amino acid substitution p.Pro2267Leu. To our knowledge, this variant has not been reported in the literature. This variant is reported in 0.0062% of alleles in individuals of African descent in gnomAD. At this time, the clinical significance of this variant is uncertain due to the absence of conclusive functional and genetic evidence.

GeneDx
Classification: Uncertain significance. Last evaluated: 2025-04-18. Review status: criteria provided, single submitter. Criteria: GeneDx Variant Classification Process June 2021. Collection method: clinical testing. Allele origin: germline. Affected: yes.
Comment: Not observed at significant frequency in large population cohorts (gnomAD); In silico analysis supports that this missense variant has a deleterious effect on protein structure/function; This variant is associated with the following publications: (PMID: 34203883, 34440452)

Labcorp Genetics (formerly Invitae), Labcorp
Classification: Uncertain significance. Last evaluated: 2024-04-08. Review status: criteria provided, single submitter. Criteria: Invitae Variant Classification Sherloc (09022015). Collection method: clinical testing. Allele origin: germline.
Comment: This sequence change replaces proline, which is neutral and non-polar, with leucine, which is neutral and non-polar, at codon 2267 of the USH2A protein (p.Pro2267Leu). This variant is present in population databases (rs397518027, gnomAD 0.007%). This variant has not been reported in the literature in individuals affected with USH2A-related conditions. ClinVar contains an entry for this variant (Variation ID: 48570). Advanced modeling of protein sequence and biophysical properties (such as structural, functional, and spatial information, amino acid conservation, physicochemical variation, residue mobility, and thermodynamic stability) performed at Invitae indicates that this missense variant is expected to disrupt USH2A protein function with a positive predictive value of 95%. In summary, the available evidence is currently insufficient to determine the role of this variant in disease. Therefore, it has been classified as a Variant of Uncertain Significance.

Genome-Nilou Lab
Classification: Uncertain significance for Retinitis pigmentosa 39. Last evaluated: 2023-11-04. Review status: criteria provided, single submitter. Criteria: ACMG Guidelines, 2015. Collection method: clinical testing. Allele origin: germline. Affected: no.

Genome-Nilou Lab
Classification: Uncertain significance for Usher syndrome type 2A. Last evaluated: 2023-11-04. Review status: criteria provided, single submitter. Criteria: ACMG Guidelines, 2015. Collection method: clinical testing. Allele origin: germline. Affected: no.

Women's Health and Genetics/Laboratory Corporation of America, LabCorp
Classification: Uncertain significance. Last evaluated: 2022-01-07. Review status: criteria provided, single submitter. Criteria: LabCorp Variant Classification Summary - May 2015. Collection method: clinical testing. Allele origin: germline.
Comment: Variant summary: USH2A c.6800C>T (p.Pro2267Leu) results in a non-conservative amino acid change located in the Fibronectin type III domain (IPR003961) of the encoded protein sequence. Four of five in-silico tools predict a damaging effect of the variant on protein function. The variant allele was found at a frequency of 1.6e-05 in 251140 control chromosomes. The available data on variant occurrences in the general population are insufficient to allow any conclusion about variant significance. The authors hypothesized that the presence of both TTLL5 and USH2A variants might explain the more severe phenotype of inherited retinal disease (IRD) consistent with EOSRD. These report(s) do not provide unequivocal conclusions about association of the variant with Usher Syndrome. To our knowledge, no experimental evidence demonstrating an impact on protein function has been reported. Three clinical diagnostic laboratories have submitted clinical-significance assessments for this variant to ClinVar after 2014 without evidence for independent evaluation. All laboratories classified the variant as uncertain significance. Based on the evidence outlined above, the variant was classified as uncertain significance.

Blueprint Genetics
Classification: Uncertain significance. Last evaluated: 2021-11-02. Review status: criteria provided, single submitter. Criteria: ACMG Guidelines, 2015. Collection method: clinical testing. Allele origin: germline.

Center of Genomic medicine, Geneva, University Hospital of Geneva
Classification: Uncertain significance for Usher syndrome type 2A; Retinitis pigmentosa 39. Last evaluated: 2019-10-08. Review status: criteria provided, single submitter. Criteria: ACMG Guidelines, 2015. Collection method: clinical testing. Allele origin: maternal. Affected: yes. Observed: 1 variant allele.

Laboratory for Molecular Medicine, Mass General Brigham Personalized Medicine
Classification: Uncertain significance. Last evaluated: 2012-07-12. Review status: criteria provided, single submitter. Criteria: LMM Criteria. Collection method: clinical testing. Allele origin: germline. Observed: 1 variant allele.
Comment: The Pro2267Leu variant in USH2A has not been reported in the literature nor prev iously identified by our laboratory. Computational analyses (biochemical amino a cid properties, conservation, AlignGVGD, PolyPhen2, and SIFT) suggest that the P ro2267Leu variant may impact the protein, though this information is not predict ive enough to determine pathogenicity. In summary, the clinical significance of this variant cannot be determined with certainty.

Natera, Inc.
Classification: Uncertain significance for Usher syndrome type 2A. Last evaluated: 2020-09-16. Review status: no assertion criteria provided. Collection method: clinical testing. Allele origin: germline. Not counted in ClinVar's aggregate classification.

Counsyl
Classification: Uncertain significance for Usher syndrome type 2A; Retinitis pigmentosa 39. Last evaluated: 2017-03-14. Review status: no assertion criteria provided. Collection method: clinical testing. Allele origin: unknown. Not counted in ClinVar's aggregate classification.

Literature cited by the submitters: PubMed 34203883 (cited by Women's Health and Genetics/Laboratory Corporation of America, LabCorp).

NM_206933.4(USH2A):c.6800C>T (p.Pro2267Leu)

Gene: USH2A (usherin; minus strand). Cytogenetic location: 1q41.
Variant type: single nucleotide variant.
Coding change: c.6800C>T on transcript NM_206933.4 (MANE Select); coding-DNA position 6800, C replaced by T.
Protein change: p.Pro2267Leu; replaces proline 2267 with leucine.
Molecular consequence: missense variant.
Genome position (GRCh38, 1-based): chr1:215,993,025, G>A on the plus strand (C>T on the coding strand, the complement: USH2A is on the minus strand). VCF-style: chr1-215993025-G-A. GRCh37 (hg19) VCF-style: chr1-216166367-G-A.
Other names: short protein forms P2267L.
Identifiers: ClinVar variation 48570 (VCV000048570.17), dbSNP rs397518027, ClinGen allele CA143574.
Genomic context (GRCh38, chr1:215,993,025, plus strand): 5'-TTAATTTACCTTTGCTAATCATCTTTTTAACTTGAGGCTAAAAGAGTTCACTTACCATTC[G>A]GATATTCAGGCTCAGTCCAGGAGACATTAAAGGAGTCAGGTGAATATGAGTGGGCTTTGG-3'
Protein context (NP_996816.3, residues 2257-2277): FNVSWTEPEY[Pro2267Leu]NGVITSYGLY